The following is an entry in ClinVar:

ClinVar aggregate classification (germline): Uncertain significance. Review status: criteria provided, multiple submitters, no conflicts (2 of 4 stars). 2 submissions from 2 submitters: Uncertain significance (2). Last evaluated 2025-11-15.

Conditions:
Inborn genetic diseases. Identifiers: MedGen C0950123, MeSH D030342.

Allele frequency attached by ClinVar (database versions not stated): gnomAD exomes below 0.00001; ExAC 0.00001; gnomAD 0.00003; TOPMed 0.00005; ESP Exome Variant Server 0.00008.
gnomAD v4.1: 13 of 1,614,064 alleles (0.00081%); highest among the groups gnomAD compares: African/African-American, 0.011%; no homozygotes.

Submissions (2):

Labcorp Genetics (formerly Invitae), Labcorp
Classification: Uncertain significance. Last evaluated: 2025-11-15. Review status: criteria provided, single submitter. Criteria: Invitae Variant Classification Sherloc (09022015). Collection method: clinical testing. Allele origin: germline.
Comment: This sequence change replaces threonine, which is neutral and polar, with alanine, which is neutral and non-polar, at codon 328 of the AUTS2 protein (p.Thr328Ala). This variant is present in population databases (rs140281219, gnomAD 0.01%). This variant has not been reported in the literature in individuals affected with AUTS2-related conditions. ClinVar contains an entry for this variant (Variation ID: 2717698). An algorithm developed to predict the effect of missense changes on protein structure and function outputs the following: PolyPhen-2: "Benign". The alanine amino acid residue is found in multiple mammalian species, which suggests that this missense change does not adversely affect protein function. In summary, the available evidence is currently insufficient to determine the role of this variant in disease. Therefore, it has been classified as a Variant of Uncertain Significance.

Ambry Genetics
Classification: Uncertain significance for Inborn genetic diseases. Last evaluated: 2025-03-07. Review status: criteria provided, single submitter. Criteria: Ambry Variant Classification Scheme 2023. Collection method: clinical testing. Allele origin: germline.

NM_015570.4(AUTS2):c.982A>G (p.Thr328Ala)

Gene: AUTS2 (activator of transcription and developmental regulator AUTS2; plus strand). Cytogenetic location: 7q11.22.
Variant type: single nucleotide variant.
Coding change: c.982A>G on transcript NM_015570.4 (MANE Select); coding-DNA position 982, A replaced by G.
Protein change: p.Thr328Ala; replaces threonine 328 with alanine.
Molecular consequence: missense variant.
Genome position (GRCh38, 1-based): chr7:70,763,109, A>G. VCF-style: chr7-70763109-A-G. GRCh37 (hg19) VCF-style: chr7-70228095-A-G.
Other names: c.982A>G, p.Thr328Ala (NM_001127231.3); c.982A>G (NM_015570.2); short protein forms T328A.
Identifiers: ClinVar variation 2717698 (VCV002717698.4), dbSNP rs140281219, ClinGen allele CA4280530.